The following is an entry in ClinVar:

ClinVar aggregate classification (germline): Uncertain significance (1 of 4 stars; one submission).

Conditions:
Melnick-Needles syndrome (MNS). Also called: MELNICK-NEEDLES OSTEODYSPLASTY; OSTEODYSPLASTY OF MELNICK AND NEEDLES; Melnick-Needles Syndrome (FLNA-MNS). Identifiers: Orphanet 2484, MedGen C0025237, MONDO:0010650, OMIM 309350.
Heterotopia, periventricular, X-linked dominant (PVNH1). Also called: PERIVENTRICULAR NODULAR HETEROTOPIA 1; X-linked periventricular heterotopia; PERIVENTRICULAR NODULAR HETEROTOPIA 4; HETEROTOPIA, PERIVENTRICULAR, 1. Identifiers: Orphanet 2149, Orphanet 82004, MedGen C1848213, MONDO:0010233, OMIM 300049.
Frontometaphyseal dysplasia (FMD1). Identifiers: Orphanet 1826, MedGen C0265293, MONDO:0015942.
Oto-palato-digital syndrome, type II (OPD2). Also called: FACIOPALATOOSSEOUS SYNDROME; OPD II SYNDROME; Otopalatodigital Syndrome Type 2 (FLNA-OPD2); Otopalatodigital Syndrome, Type II. Identifiers: Orphanet 669, Orphanet 90652, MedGen C1844696, MONDO:0010571, OMIM 304120.

Submission:

Labcorp Genetics (formerly Invitae), Labcorp
Classification: Uncertain significance for Oto-palato-digital syndrome, type II; Heterotopia, periventricular, X-linked dominant; Frontometaphyseal dysplasia; Melnick-Needles syndrome. Last evaluated: 2022-03-18. Review status: criteria provided, single submitter. Criteria: Invitae Variant Classification Sherloc (09022015). Collection method: clinical testing. Allele origin: germline.
Comment: This sequence change replaces glutamic acid, which is acidic and polar, with lysine, which is basic and polar, at codon 451 of the FLNA protein (p.Glu451Lys). This variant is not present in population databases (gnomAD no frequency). This variant has not been reported in the literature in individuals affected with FLNA-related conditions. Advanced modeling of protein sequence and biophysical properties (such as structural, functional, and spatial information, amino acid conservation, physicochemical variation, residue mobility, and thermodynamic stability) performed at Invitae indicates that this missense variant is not expected to disrupt FLNA protein function. In summary, the available evidence is currently insufficient to determine the role of this variant in disease. Therefore, it has been classified as a Variant of Uncertain Significance.

NM_001110556.2(FLNA):c.1351G>A (p.Glu451Lys)

Gene: FLNA (filamin A; minus strand). Cytogenetic location: Xq28.
Variant type: single nucleotide variant.
Coding change: c.1351G>A on transcript NM_001110556.2 (MANE Select); coding-DNA position 1351, G replaced by A.
Protein change: p.Glu451Lys; replaces glutamic acid 451 with lysine.
Molecular consequence: missense variant.
Genome position (GRCh38, 1-based): chrX:154,366,102, C>T on the plus strand (G>A on the coding strand, the complement: FLNA is on the minus strand). VCF-style: chrX-154366102-C-T. GRCh37 (hg19) VCF-style: chrX-153594470-C-T.
Other names: c.1351G>A, p.Glu451Lys (NM_001456.4); short protein forms E451K.
Identifiers: ClinVar variation 2113757 (VCV002113757.4), dbSNP rs2522759922, ClinGen allele CA415243760.
Genomic context (GRCh38, chrX:154,366,102, plus strand): 5'-TGTAGGGGCTGCGAGGGATGGGCACGCCGGCAAACGTGACGTGCACGGTGTGGACGCCCT[C>T]CATGGTGGGCTGGTAGCTGCAGCGGTATGTGCTGTCGCCCCGGGCCTCCAGCTGAGGCTC-3'
Protein context (NP_001104026.1, residues 441-461): TYRCSYQPTM[Glu451Lys]GVHTVHVTFA